The following is an entry in ClinVar:

NM_001330078.2(NRXN1):c.3654G>C (p.Thr1218=)

Gene: NRXN1 (neurexin 1; minus strand). Cytogenetic location: 2p16.3.
Variant type: single nucleotide variant.
Coding change: c.3654G>C on transcript NM_001330078.2 (MANE Select); coding-DNA position 3654, G replaced by C.
Protein change: p.Thr1218=; no amino-acid change (threonine 1218 retained).
Molecular consequence: synonymous variant.
Genome position (GRCh38, 1-based): chr2:50,091,387, C>G on the plus strand (G>C on the coding strand, the complement: NRXN1 is on the minus strand). VCF-style: chr2-50091387-C-G. GRCh37 (hg19) VCF-style: chr2-50318525-C-G.
Other names: c.3774G>C, p.Thr1258= (NM_001135659.3); c.3630G>C, p.Thr1210= (NM_001330077.2, NM_001330082.2); c.3588G>C, p.Thr1196= (NM_001330083.2, NM_001330084.2); c.3627G>C, p.Thr1209= (NM_001330085.2); c.3654G>C, p.Thr1218= (NM_001330086.2, NM_004801.6); c.3543G>C, p.Thr1181= (NM_001330087.2, NM_001330096.2); c.3573G>C, p.Thr1191= (NM_001330088.2); c.549G>C, p.Thr183= (NM_001330091.2, NM_001330092.2, NM_001330097.2 and 1 more transcripts); and 3 more.
Identifiers: ClinVar variation 509898 (VCV000509898.1), dbSNP rs765748728, ClinGen allele CA426101591.

ClinVar aggregate classification (germline): Likely benign (1 of 4 stars; one submission).

Submission:

GeneDx
Classification: Likely benign. Last evaluated: 2017-05-26. Review status: criteria provided, single submitter. Criteria: GeneDx Variant Classification (06012015). Collection method: clinical testing. Allele origin: germline. Affected: yes.
Comment: This variant is considered likely benign or benign based on one or more of the following criteria: it is a conservative change, it occurs at a poorly conserved position in the protein, it is predicted to be benign by multiple in silico algorithms, and/or has population frequency not consistent with disease.